The following is an entry in ClinVar:

ClinVar aggregate classification (germline): Likely benign. Review status: criteria provided, multiple submitters, no conflicts (2 of 4 stars). 2 submissions from 2 submitters: Likely benign (2). Last evaluated 2026-04-01.

Allele frequency attached by ClinVar (database versions not stated): gnomAD 0.00004 and 0.00010; TOPMed 0.00005; gnomAD exomes 0.00006 and 0.00011; ExAC 0.00022; 1000 Genomes Project 0.00040; 1000 Genomes Project 30x 0.00047.

Submissions (2):

CeGaT Center for Human Genetics Tuebingen
Classification: Likely benign. Last evaluated: 2026-04-01. Review status: criteria provided, single submitter. Criteria: CeGaT Center For Human Genetics Tuebingen Variant Classification Criteria Version 2. Collection method: clinical testing. Allele origin: germline. Affected: yes. Observed: 1 variant allele.
Comment: SHANK3: BP4, BP7

GeneDx
Classification: Likely benign. Last evaluated: 2021-04-24. Review status: criteria provided, single submitter. Criteria: GeneDx Variant Classification Process June 2021. Collection method: clinical testing. Allele origin: germline. Affected: yes.

NM_001372044.2(SHANK3):c.2385C>T (p.Ala795=)

Gene: SHANK3 (SH3 and multiple ankyrin repeat domains 3; plus strand). Cytogenetic location: 22q13.33.
Variant type: single nucleotide variant.
Coding change: c.2385C>T on transcript NM_001372044.2 (MANE Select); coding-DNA position 2385, C replaced by T.
Protein change: p.Ala795=; no amino-acid change (alanine 795 retained).
Molecular consequence: synonymous variant.
Genome position (GRCh38, 1-based): chr22:50,714,942, C>T. VCF-style: chr22-50714942-C-T. GRCh37 (hg19) VCF-style: chr22-51153370-C-T.
Other names: c.2160C>T (NM_033517.1).
Identifiers: ClinVar variation 1526348 (VCV001526348.4), dbSNP rs372388703, ClinGen allele CA10325829.
Genomic context (GRCh38, chr22:50,714,942, plus strand): 5'-CCAGGCAGCTGAGATGGAGCCTCCTTGCTGTGCAGAGAAGCTGGACGAGATGCTGGCAGC[C>T]GCCGCAGAGCCAACGCTGCGGCCAGACATCGCAGACGCAGACTCCAGAGCCGCCACCGTC-3'
Protein context (NP_001358973.1, residues 785-805): KGEKLDEMLA[Ala795=]AAEPTLRPDI